The following is an entry in ClinVar:

ClinVar aggregate classification (germline): Uncertain significance (1 of 4 stars; one submission).

Submission:

GeneDx
Classification: Uncertain significance. Last evaluated: 2022-03-25. Review status: criteria provided, single submitter. Criteria: GeneDx Variant Classification Process June 2021. Collection method: clinical testing. Allele origin: germline. Affected: yes.
Comment: Not observed at significant frequency in large population cohorts (gnomAD); In silico analysis supports that this missense variant has a deleterious effect on protein structure/function; Has not been previously published as pathogenic or benign to our knowledge

NM_001318852.2(MAPK8IP3):c.3496G>C (p.Val1166Leu)

Gene: MAPK8IP3 (mitogen-activated protein kinase 8 interacting protein 3; plus strand). Cytogenetic location: 16p13.3.
Variant type: single nucleotide variant.
Coding change: c.3496G>C on transcript NM_001318852.2 (MANE Select); coding-DNA position 3496, G replaced by C.
Protein change: p.Val1166Leu; replaces valine 1166 with leucine.
Molecular consequence: missense variant.
Genome position (GRCh38, 1-based): chr16:1,767,891, G>C. VCF-style: chr16-1767891-G-C. GRCh37 (hg19) VCF-style: chr16-1817892-G-C.
Other names: c.3475G>C, p.Val1159Leu (NM_001040439.2); c.3493G>C, p.Val1165Leu (NM_015133.5, NM_033392.3); short protein forms V1159L, V1165L, V1166L.
Identifiers: ClinVar variation 1707031 (VCV001707031.2), dbSNP rs2548117102, ClinGen allele CA394238712.
Genomic context (GRCh38, chr16:1,767,891, plus strand): 5'-GTACGCATCACGGCCCTGCTTGTCGCGGGCAGCCGGCTCTGGGTGGGCACCGGCAACGGA[G>C]TGGTCATCTCCATCCCCCTGACAGAGAGTGAGTGGCCTGCACACCTGCAGGGGCAGTGGT-3'
Protein context (NP_001305781.1, residues 1156-1176): SRLWVGTGNG[Val1166Leu]VISIPLTETV